The following is an entry in ClinVar:

NM_004655.4(AXIN2):c.1191G>C (p.Gln397His)

Gene: AXIN2 (axin 2; minus strand). Cytogenetic location: 17q24.1.
Variant type: single nucleotide variant.
Coding change: c.1191G>C on transcript NM_004655.4 (MANE Select); coding-DNA position 1191, G replaced by C.
Protein change: p.Gln397His; replaces glutamine 397 with histidine.
Molecular consequence: missense variant.
Genome position (GRCh38, 1-based): chr17:65,538,212, C>G on the plus strand (G>C on the coding strand, the complement: AXIN2 is on the minus strand). VCF-style: chr17-65538212-C-G. GRCh37 (hg19) VCF-style: chr17-63534330-C-G.
Other names: c.1191G>C, p.Gln397His (NM_001363813.1); short protein forms Q397H.
Identifiers: ClinVar variation 1350994 (VCV001350994.11), dbSNP rs1360433499, ClinGen allele CA400678139.

ClinVar aggregate classification (germline): Uncertain significance. Review status: criteria provided, multiple submitters, no conflicts (2 of 4 stars). 2 submissions from 2 submitters: Uncertain significance (2). Last evaluated 2025-08-24.

Conditions:
Hereditary cancer-predisposing syndrome. Also called: Neoplastic Syndromes, Hereditary; Tumor predisposition; Hereditary neoplastic syndrome; Hereditary Cancer Syndrome. Identifiers: Orphanet 140162, MedGen C0027672, MeSH D009386, MONDO:0015356.
Oligodontia-cancer predisposition syndrome. Also called: TOOTH AGENESIS-COLORECTAL CANCER SYNDROME. Identifiers: Orphanet 300576, MedGen C1837750, MONDO:0012075, OMIM 608615. Disease mechanism: loss of function.

gnomAD v4.1: 3 of 1,614,258 alleles (0.00019%); highest among the groups gnomAD compares: Non-Finnish European, 0.00025%; no homozygotes.

Submissions (2):

Labcorp Genetics (formerly Invitae), Labcorp
Classification: Uncertain significance for Oligodontia-cancer predisposition syndrome. Last evaluated: 2025-08-24. Review status: criteria provided, single submitter. Criteria: Invitae Variant Classification Sherloc (09022015). Collection method: clinical testing. Allele origin: germline.
Comment: This sequence change replaces glutamine, which is neutral and polar, with histidine, which is basic and polar, at codon 397 of the AXIN2 protein (p.Gln397His). This variant is not present in population databases (gnomAD no frequency). This variant has not been reported in the literature in individuals affected with AXIN2-related conditions. ClinVar contains an entry for this variant (Variation ID: 1350994). Invitae Evidence Modeling of protein sequence and biophysical properties (such as structural, functional, and spatial information, amino acid conservation, physicochemical variation, residue mobility, and thermodynamic stability) indicates that this missense variant is not expected to disrupt AXIN2 protein function with a negative predictive value of 80%. In summary, the available evidence is currently insufficient to determine the role of this variant in disease. Therefore, it has been classified as a Variant of Uncertain Significance.

Ambry Genetics
Classification: Uncertain significance for Hereditary cancer-predisposing syndrome. Last evaluated: 2025-05-02. Review status: criteria provided, single submitter. Criteria: Ambry Variant Classification Scheme 2023. Collection method: clinical testing. Allele origin: germline.
Comment: The p.Q397H variant (also known as c.1191G>C), located in coding exon 4 of the AXIN2 gene, results from a G to C substitution at nucleotide position 1191. The glutamine at codon 397 is replaced by histidine, an amino acid with highly similar properties. This amino acid position is well conserved in available vertebrate species. In addition, the in silico prediction for this alteration is inconclusive. Since supporting evidence is limited at this time, the clinical significance of this alteration remains unclear.